The following is an entry in ClinVar:

ClinVar aggregate classification (germline): Conflicting classifications of pathogenicity. Review status: criteria provided, conflicting classifications (1 of 4 stars). 2 submissions from 2 submitters: Uncertain significance (1); Likely benign (1). Last evaluated 2025-11-24.

Conditions:
Deficiency of UDPglucose-hexose-1-phosphate uridylyltransferase. Also called: GALT deficiency; Galactosemia, classic; GALACTOSE-1-PHOSPHATE URIDYLYLTRANSFERASE DEFICIENCY; GALACTOSEMIA I; Transferase Deficiency Galactosemia. Identifiers: Orphanet 352, Orphanet 79239, MedGen C0268151, MONDO:0009258, OMIM 230400.

Allele frequency attached by ClinVar (database versions not stated): gnomAD 0.00001 and 0.00004; TOPMed 0.00003; gnomAD exomes 0.00007 and 0.00014; ExAC 0.00013; 1000 Genomes Project 30x 0.00016; 1000 Genomes Project 0.00020.
gnomAD v4.1: 110 of 1,614,194 alleles (0.0068%); highest among the groups gnomAD compares: East Asian, 0.23%; no homozygotes.

Submissions (2):

Labcorp Genetics (formerly Invitae), Labcorp
Classification: Likely benign for Deficiency of UDPglucose-hexose-1-phosphate uridylyltransferase. Last evaluated: 2025-11-24. Review status: criteria provided, single submitter. Criteria: Invitae Variant Classification Sherloc (09022015). Collection method: clinical testing. Allele origin: germline.

Women's Health and Genetics/Laboratory Corporation of America, LabCorp
Classification: Uncertain significance. Last evaluated: 2019-04-17. Review status: criteria provided, single submitter. Criteria: LabCorp Variant Classification Summary - May 2015. Collection method: clinical testing. Allele origin: germline.
Comment: Variant summary: GALT c.632G>C (p.Ser211Thr) results in a conservative amino acid change located in the Galactose-1-phosphate uridyl transferase, C-terminal domain of the encoded protein sequence. Four of five in-silico tools predict a benign effect of the variant on protein function. The variant allele was found at a frequency of 0.00014 in 251478 control chromosomes, predominantly at a frequency of 0.0018 within the East Asian subpopulation in the gnomAD database. This frequency is not significantly higher than expected for a pathogenic variant in GALT causing Galactosemia (0.00014 vs 0.0029), allowing no conclusion about variant significance. To our knowledge, no occurrence of c.632G>C in individuals affected with Galactosemia and no experimental evidence demonstrating its impact on protein function have been reported. No clinical diagnostic laboratories have submitted clinical-significance assessments for this variant to ClinVar after 2014. Based on the evidence outlined above, the variant was classified as uncertain significance.

NM_000155.4(GALT):c.632G>C (p.Ser211Thr)

Gene: GALT (galactose-1-phosphate uridylyltransferase; plus strand). Cytogenetic location: 9p13.3.
Variant type: single nucleotide variant.
Coding change: c.632G>C on transcript NM_000155.4 (MANE Select); coding-DNA position 632, G replaced by C.
Protein change: p.Ser211Thr; replaces serine 211 with threonine.
Molecular consequence: missense variant.
Genome position (GRCh38, 1-based): chr9:34,648,401, G>C. VCF-style: chr9-34648401-G-C. GRCh37 (hg19) VCF-style: chr9-34648398-G-C.
Other names: c.305G>C, p.Ser102Thr (NM_001258332.2); short protein forms S102T, S211T.
Identifiers: ClinVar variation 929186 (VCV000929186.10), dbSNP rs3824553, ClinGen allele CA5036175.